The following is an entry in ClinVar:

NM_144997.7(FLCN):c.13G>A (p.Val5Met)

Gene: FLCN (folliculin; minus strand). Cytogenetic location: 17p11.2.
Variant type: single nucleotide variant.
Coding change: c.13G>A on transcript NM_144997.7 (MANE Select); coding-DNA position 13, G replaced by A.
Protein change: p.Val5Met; replaces valine 5 with methionine.
Molecular consequence: missense variant.
Genome position (GRCh38, 1-based): chr17:17,228,125, C>T on the plus strand (G>A on the coding strand, the complement: FLCN is on the minus strand). VCF-style: chr17-17228125-C-T. GRCh37 (hg19) VCF-style: chr17-17131439-C-T.
Other names: c.13G>A, p.Val5Met (NM_001353229.2, NM_001353230.2, NM_001353231.2 and 1 more transcripts); short protein forms V5M.
Identifiers: ClinVar variation 940936 (VCV000940936.14), dbSNP rs767235709, ClinGen allele CA8416539.

ClinVar aggregate classification (germline): Uncertain significance. Review status: criteria provided, multiple submitters, no conflicts (2 of 4 stars). 3 submissions from 3 submitters: Uncertain significance (3). Last evaluated 2025-09-24.

Conditions:
Hereditary cancer-predisposing syndrome. Also called: Hereditary neoplastic syndrome; Neoplastic Syndromes, Hereditary; Hereditary Cancer Syndrome; Tumor predisposition. Identifiers: Orphanet 140162, MedGen C0027672, MeSH D009386, MONDO:0015356.
Birt-Hogg-Dube syndrome. Also called: Birt Hogg Dubé syndrome. Identifiers: Orphanet 122, MedGen C0346010, MONDO:0800444.

Allele frequency attached by ClinVar (database versions not stated): TOPMed 0.00001; gnomAD exomes 0.00001; gnomAD 0.00001; ExAC 0.00001.

Submissions (3):

Labcorp Genetics (formerly Invitae), Labcorp
Classification: Uncertain significance for Birt-Hogg-Dube syndrome. Last evaluated: 2025-09-24. Review status: criteria provided, single submitter. Criteria: Invitae Variant Classification Sherloc (09022015). Collection method: clinical testing. Allele origin: germline.
Comment: This sequence change replaces valine, which is neutral and non-polar, with methionine, which is neutral and non-polar, at codon 5 of the FLCN protein (p.Val5Met). This variant is present in population databases (rs767235709, gnomAD 0.007%). This variant has not been reported in the literature in individuals affected with FLCN-related conditions. ClinVar contains an entry for this variant (Variation ID: 940936). Invitae Evidence Modeling of protein sequence and biophysical properties (such as structural, functional, and spatial information, amino acid conservation, physicochemical variation, residue mobility, and thermodynamic stability) indicates that this missense variant is not expected to disrupt FLCN protein function with a negative predictive value of 80%. In summary, the available evidence is currently insufficient to determine the role of this variant in disease. Therefore, it has been classified as a Variant of Uncertain Significance.

Ambry Genetics
Classification: Uncertain significance for Hereditary cancer-predisposing syndrome. Last evaluated: 2024-09-02. Review status: criteria provided, single submitter. Criteria: Ambry Variant Classification Scheme 2023. Collection method: clinical testing. Allele origin: germline.
Comment: The p.V5M variant (also known as c.13G>A), located in coding exon 1 of the FLCN gene, results from a G to A substitution at nucleotide position 13. The valine at codon 5 is replaced by methionine, an amino acid with highly similar properties. This amino acid position is conserved. In addition, this alteration is predicted to be deleterious by in silico analysis. Since supporting evidence is limited at this time, the clinical significance of this alteration remains unclear.

GeneDx
Classification: Uncertain significance. Last evaluated: 2023-07-27. Review status: criteria provided, single submitter. Criteria: GeneDx Variant Classification Process June 2021. Collection method: clinical testing. Allele origin: germline.
Comment: Not observed at significant frequency in large population cohorts (gnomAD); In silico analysis supports that this missense variant does not alter protein structure/function; Has not been previously published as pathogenic or benign to our knowledge; This variant is associated with the following publications: (PMID: 34388207)